The following is an entry in ClinVar:

NM_018076.5(ODAD2):c.1424C>G (p.Ser475Ter)

Gene: ODAD2 (outer dynein arm docking complex subunit 2; minus strand). Cytogenetic location: 10p12.1.
Variant type: single nucleotide variant.
Coding change: c.1424C>G on transcript NM_018076.5 (MANE Select); coding-DNA position 1424, C replaced by G.
Protein change: p.Ser475Ter; replaces serine 475 with a stop codon.
Molecular consequence: nonsense. On other transcripts: 5 prime UTR variant (1).
Genome position (GRCh38, 1-based): chr10:27,944,925, G>C on the plus strand (C>G on the coding strand, the complement: ODAD2 is on the minus strand). VCF-style: chr10-27944925-G-C. GRCh37 (hg19) VCF-style: chr10-28233854-G-C.
Other names: c.1424C>G, p.Ser475Ter (NM_001290020.2); c.-2C>G (NM_001290021.2); c.500C>G, p.Ser167Ter (NM_001312689.2); short protein forms S167*, S475*.
Identifiers: ClinVar variation 2714187 (VCV002714187.4), dbSNP rs759966765, ClinGen allele CA5453536.

ClinVar aggregate classification (germline): Pathogenic/Likely pathogenic. Review status: criteria provided, multiple submitters, no conflicts (2 of 4 stars). 2 submissions from 2 submitters: Pathogenic (1); Likely pathogenic (1). Last evaluated 2025-07-19.

Conditions:
ARMC4-related disorders.
Primary ciliary dyskinesia 23 (CILD23). Also called: CILIARY DYSKINESIA, PRIMARY, 23, WITH OR WITHOUT SITUS INVERSUS. Identifiers: Orphanet 244, MedGen C3809548, MONDO:0014193, OMIM 615451.

Allele frequency attached by ClinVar (database versions not stated): ExAC 0.00001; gnomAD 0.00001; TOPMed 0.00001; gnomAD exomes 0.00004.
gnomAD v4.1: 64 of 1,614,010 alleles (0.004%); highest among the groups gnomAD compares: Non-Finnish European, 0.0053%; no homozygotes.

Submissions (2):

Labcorp Genetics (formerly Invitae), Labcorp
Classification: Pathogenic for Primary ciliary dyskinesia 23. Last evaluated: 2025-07-19. Review status: criteria provided, single submitter. Criteria: Invitae Variant Classification Sherloc (09022015). Collection method: clinical testing. Allele origin: germline.
Comment: This sequence change creates a premature translational stop signal (p.Ser475*) in the ARMC4 gene. It is expected to result in an absent or disrupted protein product. Loss-of-function variants in ARMC4 are known to be pathogenic (PMID: 23849778). This variant is present in population databases (rs759966765, gnomAD 0.002%). This variant has not been reported in the literature in individuals affected with ARMC4-related conditions. ClinVar contains an entry for this variant (Variation ID: 2714187). For these reasons, this variant has been classified as Pathogenic.

Blueprint Genetics
Classification: Likely pathogenic for ARMC4-related disorders. Last evaluated: 2019-06-26. Review status: criteria provided, single submitter. Criteria: ACMG Guidelines, 2015. Collection method: clinical testing. Allele origin: germline. Affected: yes. Observed: 3 variant alleles.

Literature cited by the submitters: PubMed 23849778 (cited by Labcorp Genetics (formerly Invitae), Labcorp).